The following is an entry in ClinVar:

ClinVar aggregate classification (germline): Benign/Likely benign. Review status: criteria provided, multiple submitters, no conflicts (2 of 4 stars). 3 submissions from 3 submitters: Benign (1); Likely benign (2). Last evaluated 2025-03-03.

Conditions:
Pheochromocytoma/paraganglioma syndrome 5. Also called: Paragangliomas 5; SDHA-Related Hereditary Paraganglioma-Pheochromocytoma Syndrome. Identifiers: Orphanet 29072, MedGen C3279992, MONDO:0013602, OMIM 614165.
Hereditary cancer-predisposing syndrome. Also called: Tumor predisposition; Hereditary Cancer Syndrome; Hereditary neoplastic syndrome; Neoplastic Syndromes, Hereditary. Identifiers: Orphanet 140162, MedGen C0027672, MeSH D009386, MONDO:0015356.
Mitochondrial complex II deficiency, nuclear type 1. Also called: SUCCINATE CoQ REDUCTASE DEFICIENCY. Identifiers: Orphanet 3208, MedGen C5700310, MONDO:0100294, OMIM 252011.

Submissions (3):

Myriad Genetics, Inc.
Classification: Benign for Pheochromocytoma/paraganglioma syndrome 5. Last evaluated: 2025-03-03. Review status: criteria provided, single submitter. Criteria: Myriad Autosomal Dominant, Autosomal Recessive and X-Linked Classification Criteria (2023). Collection method: clinical testing. Allele origin: unknown.
Comment: This variant is considered benign. This variant is a silent/synonymous amino acid change and it is not expected to impact splicing.

Labcorp Genetics (formerly Invitae), Labcorp
Classification: Likely benign for Pheochromocytoma/paraganglioma syndrome 5; Mitochondrial complex II deficiency, nuclear type 1. Last evaluated: 2024-03-10. Review status: criteria provided, single submitter. Criteria: Invitae Variant Classification Sherloc (09022015). Collection method: clinical testing. Allele origin: germline.

Ambry Genetics
Classification: Likely benign for Hereditary cancer-predisposing syndrome. Last evaluated: 2021-01-05. Review status: criteria provided, single submitter. Criteria: Ambry Variant Classification Scheme 2023. Collection method: clinical testing. Allele origin: germline.

NM_004168.4(SDHA):c.738C>T (p.Arg246=)

Gene: SDHA (succinate dehydrogenase complex flavoprotein subunit A; plus strand). Cytogenetic location: 5p15.33.
Variant type: single nucleotide variant.
Coding change: c.738C>T on transcript NM_004168.4 (MANE Select); coding-DNA position 738, C replaced by T.
Protein change: p.Arg246=; no amino-acid change (arginine 246 retained).
Molecular consequence: synonymous variant.
Genome position (GRCh38, 1-based): chr5:228,301, C>T. VCF-style: chr5-228301-C-T. GRCh37 (hg19) VCF-style: chr5-228416-C-T.
Other names: c.594C>T, p.Arg198= (NM_001294332.2); c.738C>T, p.Arg246= (NM_001330758.2).
Identifiers: ClinVar variation 1531431 (VCV001531431.11), dbSNP rs2126559157, ClinGen allele CA442691380.